The following is an entry in ClinVar:

ClinVar aggregate classification (germline): Uncertain significance (1 of 4 stars; one submission).

Conditions:
Immunodeficiency-centromeric instability-facial anomalies syndrome 2 (ICF2). Identifiers: Orphanet 2268, MedGen C3279748, MONDO:0013553, OMIM 614069.

Submission:

Labcorp Genetics (formerly Invitae), Labcorp
Classification: Uncertain significance for Immunodeficiency-centromeric instability-facial anomalies syndrome 2. Last evaluated: 2021-01-04. Review status: criteria provided, single submitter. Criteria: Invitae Variant Classification Sherloc (09022015). Collection method: clinical testing. Allele origin: germline.
Comment: This sequence change replaces asparagine with serine at codon 45 of the ZBTB24 protein (p.Asn45Ser). The asparagine residue is highly conserved and there is a small physicochemical difference between asparagine and serine. This variant is not present in population databases (ExAC no frequency). This variant has not been reported in the literature in individuals with ZBTB24-related conditions. Algorithms developed to predict the effect of missense changes on protein structure and function are either unavailable or do not agree on the potential impact of this missense change (SIFT: "Not Available"; PolyPhen-2: "Benign"; Align-GVGD: "Not Available"). In summary, the available evidence is currently insufficient to determine the role of this variant in disease. Therefore, it has been classified as a Variant of Uncertain Significance.

NM_014797.3(ZBTB24):c.134A>G (p.Asn45Ser)

Gene: ZBTB24 (zinc finger and BTB domain containing 24; minus strand). Cytogenetic location: 6q21.
Variant type: single nucleotide variant.
Coding change: c.134A>G on transcript NM_014797.3 (MANE Select); coding-DNA position 134, A replaced by G.
Protein change: p.Asn45Ser; replaces asparagine 45 with serine.
Molecular consequence: missense variant.
Genome position (GRCh38, 1-based): chr6:109,481,893, T>C on the plus strand (A>G on the coding strand, the complement: ZBTB24 is on the minus strand). VCF-style: chr6-109481893-T-C. GRCh37 (hg19) VCF-style: chr6-109803096-T-C.
Other names: c.134A>G, p.Asn45Ser (NM_001164313.2); short protein forms N45S.
Identifiers: ClinVar variation 1479071 (VCV001479071.6), dbSNP rs2115367485, ClinGen allele CA365211775.